The following is an entry in ClinVar:

NM_031935.3(HMCN1):c.11882A>G (p.His3961Arg)

Gene: HMCN1 (hemicentin 1; plus strand). Cytogenetic location: 1q31.1.
Variant type: single nucleotide variant.
Coding change: c.11882A>G on transcript NM_031935.3 (MANE Select); coding-DNA position 11882, A replaced by G.
Protein change: p.His3961Arg; replaces histidine 3961 with arginine.
Molecular consequence: missense variant.
Genome position (GRCh38, 1-based): chr1:186,119,224, A>G. VCF-style: chr1-186119224-A-G. GRCh37 (hg19) VCF-style: chr1-186088356-A-G.
Other names: short protein forms H3961R.
Identifiers: ClinVar variation 2192615 (VCV002192615.3), dbSNP rs376243909, ClinGen allele CA1294187.

ClinVar aggregate classification (germline): Uncertain significance (1 of 4 stars; one submission).

Allele frequency attached by ClinVar (database versions not stated): gnomAD 0.00001; TOPMed 0.00001; ExAC 0.00002; gnomAD exomes 0.00007; ESP Exome Variant Server 0.00008.
gnomAD v4.1: 100 of 1,613,834 alleles (0.0062%); highest among the groups gnomAD compares: Non-Finnish European, 0.0081%; 1 homozygote.

Submission:

Labcorp Genetics (formerly Invitae), Labcorp
Classification: Uncertain significance. Last evaluated: 2022-10-24. Review status: criteria provided, single submitter. Criteria: Invitae Variant Classification Sherloc (09022015). Collection method: clinical testing. Allele origin: germline.
Comment: This sequence change replaces histidine, which is basic and polar, with arginine, which is basic and polar, at codon 3961 of the HMCN1 protein (p.His3961Arg). This variant is present in population databases (rs376243909, gnomAD 0.009%). This variant has not been reported in the literature in individuals affected with HMCN1-related conditions. In summary, the available evidence is currently insufficient to determine the role of this variant in disease. Therefore, it has been classified as a Variant of Uncertain Significance. Algorithms developed to predict the effect of missense changes on protein structure and function (SIFT, PolyPhen-2, Align-GVGD) all suggest that this variant is likely to be disruptive.